The following is an entry in ClinVar:

NM_005475.3(SH2B3):c.1306G>A (p.Asp436Asn)

Gene: SH2B3 (SH2B adaptor protein 3; plus strand). Cytogenetic location: 12q24.12.
Variant type: single nucleotide variant.
Coding change: c.1306G>A on transcript NM_005475.3 (MANE Select); coding-DNA position 1306, G replaced by A.
Protein change: p.Asp436Asn; replaces aspartic acid 436 with asparagine.
Molecular consequence: missense variant.
Genome position (GRCh38, 1-based): chr12:111,447,725, G>A. VCF-style: chr12-111447725-G-A. GRCh37 (hg19) VCF-style: chr12-111885529-G-A.
Other names: c.700G>A, p.Asp234Asn (NM_001291424.1); short protein forms D234N, D436N.
Identifiers: ClinVar variation 3440833 (VCV003440833.1).
Genomic context (GRCh38, chr12:111,447,725, plus strand): 5'-CTGTCGCTGACAGAGCGGGGCCAGTGCCGTGTGCAGCACCTCCACTTTCCCTCGGTCGTG[G>A]ACATGCTCCACCACTTCCAGCGCTCGCCCATCCCACTCGAGTGCGGCGCCGCCTGTGATG-3'
Protein context (NP_005466.1, residues 426-446): VQHLHFPSVV[Asp436Asn]MLHHFQRSPI

ClinVar aggregate classification (germline): Uncertain significance (1 of 4 stars; one submission).

Conditions:
Inborn genetic diseases. Identifiers: MedGen C0950123, MeSH D030342.

Submission:

Ambry Genetics
Classification: Uncertain significance for Inborn genetic diseases. Last evaluated: 2024-12-06. Review status: criteria provided, single submitter. Criteria: Ambry Variant Classification Scheme 2023. Collection method: clinical testing. Allele origin: germline.
Comment: The p.D436N variant (also known as c.1306G>A), located in coding exon 6 of the SH2B3 gene, results from a G to A substitution at nucleotide position 1306. The aspartic acid at codon 436 is replaced by asparagine, an amino acid with highly similar properties. This amino acid position is conserved. In addition, this alteration is predicted to be tolerated by in silico analysis. Based on the available evidence, the clinical significance of this variant remains unclear.